The following is an entry in ClinVar:

ClinVar aggregate classification (germline): Pathogenic (1 of 4 stars; one submission).

Conditions:
Hereditary diffuse gastric adenocarcinoma (HDGC). Also called: DIFFUSE GASTRIC AND LOBULAR BREAST CANCER SYNDROME. Identifiers: Orphanet 26106, MedGen C1708349, MONDO:0007648, OMIM 137215.

Submission:

Myriad Genetics, Inc.
Classification: Pathogenic for Hereditary diffuse gastric adenocarcinoma. Last evaluated: 2023-06-09. Review status: criteria provided, single submitter. Criteria: Myriad Autosomal Dominant, Autosomal Recessive and X-Linked Classification Criteria (2023). Collection method: clinical testing. Allele origin: unknown.
Comment: This variant is considered pathogenic. This variant creates a frameshift predicted to result in premature protein truncation.

NM_004360.5(CDH1):c.632_633del (p.Thr211fs)

Gene: CDH1 (cadherin 1; plus strand). Cytogenetic location: 16q22.1.
Variant type: Deletion.
Coding change: c.632_633del on transcript NM_004360.5 (MANE Select); coding-DNA positions 632 to 633, 2 bases deleted (CA; older notation c.632_633delCA).
Protein change: p.Thr211fs; shifts the reading frame from threonine 211.
Molecular consequence: frameshift variant. On other transcripts: 5 prime UTR variant (2).
Genome position (GRCh38, 1-based): chr16:68,808,793-68,808,794, CA deleted; deleting any 2 consecutive bases within chr16:68,808,792-68,808,794 gives the same sequence; the c. name uses the placement nearest the transcript's 3' end. VCF-style (leftmost placement, unchanged base first): chr16-68808791-AAC-A. GRCh37 (hg19) VCF-style: chr16-68842694-AAC-A.
Other names: c.632_633del, p.Thr211fs (NM_001317184.2); c.-984_-983del (NM_001317185.2); c.-1188_-1187del (NM_001317186.2); short protein forms T211fs.
Identifiers: ClinVar variation 2583190 (VCV002583190.2), dbSNP rs2543916183, ClinGen allele CA2582342578.